The following is an entry in ClinVar:

ClinVar aggregate classification (germline): Uncertain significance (1 of 4 stars; one submission).

Conditions:
Combined oxidative phosphorylation deficiency. Identifiers: MedGen C4540031, MONDO:0000732.
Charcot-Marie-Tooth Neuropathy X. Identifiers: MedGen CN118851.

Allele frequency attached by ClinVar (database versions not stated): gnomAD 0.00001.
gnomAD v4.1: 1 of 1,208,452 alleles (0.000083%); no homozygotes.

Submission:

Labcorp Genetics (formerly Invitae), Labcorp
Classification: Uncertain significance for Charcot-Marie-Tooth Neuropathy X; Combined oxidative phosphorylation deficiency. Last evaluated: 2022-08-19. Review status: criteria provided, single submitter. Criteria: Invitae Variant Classification Sherloc (09022015). Collection method: clinical testing. Allele origin: germline.
Comment: In summary, the available evidence is currently insufficient to determine the role of this variant in disease. Therefore, it has been classified as a Variant of Uncertain Significance. Algorithms developed to predict the effect of missense changes on protein structure and function are either unavailable or do not agree on the potential impact of this missense change (SIFT: "Deleterious"; PolyPhen-2: "Possibly Damaging"; Align-GVGD: "Class C0"). ClinVar contains an entry for this variant (Variation ID: 1444099). This variant has not been reported in the literature in individuals affected with AIFM1-related conditions. This variant is present in population databases (no rsID available, gnomAD 0.04%). This sequence change replaces arginine, which is basic and polar, with lysine, which is basic and polar, at codon 450 of the AIFM1 protein (p.Arg450Lys).

NM_004208.4(AIFM1):c.1349G>A (p.Arg450Lys)

Genes: AIFM1 (apoptosis inducing factor mitochondria associated 1; minus strand), RAB33A (RAB33A, member RAS oncogene family; plus strand). Cytogenetic location: Xq26.1.
Variant type: single nucleotide variant.
Coding change: c.1349G>A on transcript NM_004208.4 (MANE Select); coding-DNA position 1349, G replaced by A.
Protein change: p.Arg450Lys; replaces arginine 450 with lysine.
Molecular consequence: missense variant. On other transcripts: 3 prime UTR variant (1), non-coding transcript variant (1).
Genome position (GRCh38, 1-based): chrX:130,133,412, C>T on the plus strand (G>A on the coding strand, the complement: AIFM1 is on the minus strand). VCF-style: chrX-130133412-C-T. GRCh37 (hg19) VCF-style: chrX-129267387-C-T.
Other names: c.332G>A, p.Arg111Lys (NM_001130846.4); c.*577G>A (NM_001130847.4); c.1337G>A, p.Arg446Lys (NM_145812.3); short protein forms R450K, R446K, R111K.
Identifiers: ClinVar variation 1444099 (VCV001444099.6), dbSNP rs1424829478, ClinGen allele CA414573695.